The following is an entry in ClinVar:

ClinVar aggregate classification (germline): Uncertain significance. Review status: criteria provided, multiple submitters, no conflicts (2 of 4 stars). 3 submissions from 3 submitters: Uncertain significance (3). Last evaluated 2025-09-17.

Conditions:
Cardiovascular phenotype. Identifiers: MedGen CN230736.
Dilated cardiomyopathy 1JJ (CMD1JJ). Identifiers: Orphanet 154, MedGen C3808935, MONDO:0014095, OMIM 615235.

Allele frequency attached by ClinVar (database versions not stated): TOPMed 0.00001; gnomAD 0.00001; gnomAD exomes 0.00001 and below 0.00001.
gnomAD v4.1: 4 of 1,613,692 alleles (0.00025%); highest among the groups gnomAD compares: Admixed American, 0.0067%; no homozygotes.

Submissions (3):

Ambry Genetics
Classification: Uncertain significance for Cardiovascular phenotype. Last evaluated: 2025-09-17. Review status: criteria provided, single submitter. Criteria: Ambry Variant Classification Scheme 2023. Collection method: clinical testing. Allele origin: germline.
Comment: The p.L362I variant (also known as c.1084C>A), located in coding exon 9 of the LAMA4 gene, results from a C to A substitution at nucleotide position 1084. The leucine at codon 362 is replaced by isoleucine, an amino acid with highly similar properties. This amino acid position is well conserved in available vertebrate species. In addition, this alteration is predicted to be tolerated by in silico analysis. Since supporting evidence is limited at this time, the clinical significance of this alteration remains unclear.

Women's Health and Genetics/Laboratory Corporation of America, LabCorp
Classification: Uncertain significance. Last evaluated: 2025-03-22. Review status: criteria provided, single submitter. Criteria: LabCorp Variant Classification Summary - May 2015. Collection method: clinical testing. Allele origin: germline.

Labcorp Genetics (formerly Invitae), Labcorp
Classification: Uncertain significance for Dilated cardiomyopathy 1JJ. Last evaluated: 2024-10-18. Review status: criteria provided, single submitter. Criteria: Invitae Variant Classification Sherloc (09022015). Collection method: clinical testing. Allele origin: germline.
Comment: This sequence change replaces leucine, which is neutral and non-polar, with isoleucine, which is neutral and non-polar, at codon 362 of the LAMA4 protein (p.Leu362Ile). This variant is present in population databases (no rsID available, gnomAD 0.009%). This variant has not been reported in the literature in individuals affected with LAMA4-related conditions. ClinVar contains an entry for this variant (Variation ID: 568902). Invitae Evidence Modeling of protein sequence and biophysical properties (such as structural, functional, and spatial information, amino acid conservation, physicochemical variation, residue mobility, and thermodynamic stability) indicates that this missense variant is not expected to disrupt LAMA4 protein function with a negative predictive value of 80%. In summary, the available evidence is currently insufficient to determine the role of this variant in disease. Therefore, it has been classified as a Variant of Uncertain Significance.

NM_001105206.3(LAMA4):c.1105C>A (p.Leu369Ile)

Gene: LAMA4 (laminin subunit alpha 4; minus strand). Cytogenetic location: 6q21.
Variant type: single nucleotide variant.
Coding change: c.1105C>A on transcript NM_001105206.3 (MANE Select); coding-DNA position 1105, C replaced by A.
Protein change: p.Leu369Ile; replaces leucine 369 with isoleucine.
Molecular consequence: missense variant.
Genome position (GRCh38, 1-based): chr6:112,178,205, G>T on the plus strand (C>A on the coding strand, the complement: LAMA4 is on the minus strand). VCF-style: chr6-112178205-G-T. GRCh37 (hg19) VCF-style: chr6-112499407-G-T.
Other names: c.1084C>A, p.Leu362Ile (NM_001105207.3, NM_002290.5); short protein forms L362I, L369I.
Identifiers: ClinVar variation 568902 (VCV000568902.12), dbSNP rs1291328403, ClinGen allele CA365373141.